The following is an entry in ClinVar:

NM_001286.5(CLCN6):c.38G>A (p.Arg13Lys)

Gene: CLCN6 (chloride voltage-gated channel 6; plus strand). Cytogenetic location: 1p36.22.
Variant type: single nucleotide variant.
Coding change: c.38G>A on transcript NM_001286.5 (MANE Select); coding-DNA position 38, G replaced by A.
Protein change: p.Arg13Lys; replaces arginine 13 with lysine.
Molecular consequence: missense variant. On other transcripts: non-coding transcript variant (1).
Genome position (GRCh38, 1-based): chr1:11,806,300, G>A. VCF-style: chr1-11806300-G-A. GRCh37 (hg19) VCF-style: chr1-11866357-G-A.
Other names: c.38G>A, p.Arg13Lys (NM_001256959.2); c.38G>A (NM_001286.2); short protein forms R13K.
Identifiers: ClinVar variation 1405094 (VCV001405094.8), dbSNP rs77130610, ClinGen allele CA595853.

ClinVar aggregate classification (germline): Uncertain significance. Review status: criteria provided, multiple submitters, no conflicts (2 of 4 stars). 2 submissions from 2 submitters: Uncertain significance (2). Last evaluated 2025-06-09.

Allele frequency attached by ClinVar (database versions not stated): ExAC 0.00001; gnomAD exomes 0.00001; gnomAD 0.00005 and 0.00006; TOPMed 0.00005.
gnomAD v4.1: 17 of 1,511,696 alleles (0.0011%); highest among the groups gnomAD compares: African/African-American, 0.022%; no homozygotes.

Submissions (2):

Ambry Genetics
Classification: Uncertain significance. Last evaluated: 2025-06-09. Review status: criteria provided, single submitter. Criteria: Ambry Variant Classification Scheme 2023. Collection method: clinical testing. Allele origin: germline.

Labcorp Genetics (formerly Invitae), Labcorp
Classification: Uncertain significance. Last evaluated: 2024-09-06. Review status: criteria provided, single submitter. Criteria: Invitae Variant Classification Sherloc (09022015). Collection method: clinical testing. Allele origin: germline.
Comment: This sequence change replaces arginine, which is basic and polar, with lysine, which is basic and polar, at codon 13 of the CLCN6 protein (p.Arg13Lys). This variant is present in population databases (rs77130610, gnomAD 0.02%). This variant has not been reported in the literature in individuals affected with CLCN6-related conditions. ClinVar contains an entry for this variant (Variation ID: 1405094). An algorithm developed to predict the effect of missense changes on protein structure and function outputs the following: PolyPhen-2: "Not Available". The lysine amino acid residue is found in multiple mammalian species, which suggests that this missense change does not adversely affect protein function. In summary, the available evidence is currently insufficient to determine the role of this variant in disease. Therefore, it has been classified as a Variant of Uncertain Significance.